The following is an entry in ClinVar:

ClinVar aggregate classification (germline): Uncertain significance. Review status: criteria provided, multiple submitters, no conflicts (2 of 4 stars). 2 submissions from 2 submitters: Uncertain significance (2). Last evaluated 2025-03-20.

Conditions:
Hereditary cancer-predisposing syndrome. Also called: Neoplastic Syndromes, Hereditary; Tumor predisposition; Hereditary Cancer Syndrome; Hereditary neoplastic syndrome. Identifiers: Orphanet 140162, MedGen C0027672, MeSH D009386, MONDO:0015356.
Familial cancer of breast. Also called: BREAST CANCER, FAMILIAL; hereditary breast carcinoma; Hereditary breast cancer. Identifiers: Orphanet 227535, MedGen C0346153, MONDO:0016419, OMIM 114480. Disease mechanism: loss of function.

Submissions (2):

Ambry Genetics
Classification: Uncertain significance for Hereditary cancer-predisposing syndrome. Last evaluated: 2025-03-20. Review status: criteria provided, single submitter. Criteria: Ambry Variant Classification Scheme 2023. Collection method: clinical testing. Allele origin: germline.
Comment: The c.1095+5G>A intronic variant results from a G to A substitution 5 nucleotides after coding exon 9 in the CHEK2 gene. This nucleotide position is well conserved in available vertebrate species. In silico splice site analysis predicts that this alteration will not have any significant effect on splicing. Based on the available evidence, the clinical significance of this variant remains unclear.

Labcorp Genetics (formerly Invitae), Labcorp
Classification: Uncertain significance for Familial cancer of breast. Last evaluated: 2024-03-03. Review status: criteria provided, single submitter. Criteria: Invitae Variant Classification Sherloc (09022015). Collection method: clinical testing. Allele origin: germline.
Comment: This sequence change falls in intron 10 of the CHEK2 gene. It does not directly change the encoded amino acid sequence of the CHEK2 protein. It affects a nucleotide within the consensus splice site. This variant is not present in population databases (gnomAD no frequency). This variant has not been reported in the literature in individuals affected with CHEK2-related conditions. Variants that disrupt the consensus splice site are a relatively common cause of aberrant splicing (PMID: 17576681, 9536098). Algorithms developed to predict the effect of sequence changes on RNA splicing suggest that this variant may disrupt the consensus splice site. In summary, the available evidence is currently insufficient to determine the role of this variant in disease. Therefore, it has been classified as a Variant of Uncertain Significance.

Literature cited by the submitters: PubMed 17576681 (cited by Labcorp Genetics (formerly Invitae), Labcorp); PubMed 9536098 (cited by Labcorp Genetics (formerly Invitae), Labcorp).

NM_007194.4(CHEK2):c.1095+5G>A

Gene: CHEK2 (checkpoint kinase 2; minus strand). Cytogenetic location: 22q12.1.
Variant type: single nucleotide variant.
Coding change: c.1095+5G>A on transcript NM_007194.4 (MANE Select); 5 bases into the intron after coding-DNA position 1095, G replaced by A.
Molecular consequence: intron variant.
Genome position (GRCh38, 1-based): chr22:28,696,896, C>T on the plus strand (G>A on the coding strand, the complement: CHEK2 is on the minus strand). VCF-style: chr22-28696896-C-T. GRCh37 (hg19) VCF-style: chr22-29092884-C-T.
Other names: c.432+5G>A (NM_001437942.1, NM_001257387.3); c.894+5G>A (NM_001349956.3); c.1102-1023G>A (NM_001438295.1); c.1009-1023G>A (NM_145862.3); c.1188+5G>A (NM_001438293.1); c.1138-1023G>A (NM_001438294.1); c.1224+5G>A (NM_001005735.3).
Identifiers: ClinVar variation 3630511 (VCV003630511.3).